The following is an entry in ClinVar:

ClinVar aggregate classification (germline): Uncertain significance (1 of 4 stars; one submission).

Conditions:
Primary ciliary dyskinesia. Also called: Ciliary dyskinesia. Identifiers: Orphanet 244, MedGen C0008780, MONDO:0016575, HP:0012265.

Submission:

Ambry Genetics
Classification: Uncertain significance for Primary ciliary dyskinesia. Last evaluated: 2022-08-27. Review status: criteria provided, single submitter. Criteria: Ambry Variant Classification Scheme 2023. Collection method: clinical testing. Allele origin: germline.
Comment: The p.L4314F variant (also known as c.12942G>T), located in coding exon 79 of the DNAH11 gene, results from a G to T substitution at nucleotide position 12942. The leucine at codon 4314 is replaced by phenylalanine, an amino acid with highly similar properties. This amino acid position is conserved. In addition, this alteration is predicted to be tolerated by in silico analysis. Since supporting evidence is limited at this time, the clinical significance of this alteration remains unclear.

NM_001277115.2(DNAH11):c.12942G>T (p.Leu4314Phe)

Gene: DNAH11 (dynein axonemal heavy chain 11; plus strand). Cytogenetic location: 7p15.3.
Variant type: single nucleotide variant.
Coding change: c.12942G>T on transcript NM_001277115.2 (MANE Select); coding-DNA position 12942, G replaced by T.
Protein change: p.Leu4314Phe; replaces leucine 4314 with phenylalanine.
Molecular consequence: missense variant.
Genome position (GRCh38, 1-based): chr7:21,894,892, G>T. VCF-style: chr7-21894892-G-T. GRCh37 (hg19) VCF-style: chr7-21934510-G-T.
Other names: c.12963G>T, p.Leu4321Phe (NM_003777.3); short protein forms L4321F, L4314F.
Identifiers: ClinVar variation 1769172 (VCV001769172.2), dbSNP rs2534131328, ClinGen allele CA366954796.
Genomic context (GRCh38, chr7:21,894,892, plus strand): 5'-ACTTCAGCACATTGGAAGATATTCACTGTGTGGCTTTTTTTCTCCATGCAAGGGGGAATT[G>T]GCATTATCTCCTGCTGTGGAAGCCCAGCAGTTTGCATTGAGTTATGACACGGTACCAGAC-3'
Protein context (NP_001264044.1, residues 4304-4324): EQLDLSLKGE[Leu4314Phe]ALSPAVEAQQ